The following is an entry in ClinVar:

NM_007126.5(VCP):c.374G>A (p.Gly125Asp)

Gene: VCP (valosin containing protein; minus strand). Cytogenetic location: 9p13.3.
Variant type: single nucleotide variant.
Coding change: c.374G>A on transcript NM_007126.5 (MANE Select); coding-DNA position 374, G replaced by A.
Protein change: p.Gly125Asp; replaces glycine 125 with aspartic acid.
Molecular consequence: missense variant.
Genome position (GRCh38, 1-based): chr9:35,066,746, C>T on the plus strand (G>A on the coding strand, the complement: VCP is on the minus strand). VCF-style: chr9-35066746-C-T. GRCh37 (hg19) VCF-style: chr9-35066743-C-T.
Other names: c.239G>A, p.Gly80Asp (NM_001354927.2, NM_001354928.2); short protein forms G125D, G80D.
Identifiers: ClinVar variation 569394 (VCV000569394.11), dbSNP rs1563980403, ClinGen allele CA373292088.

ClinVar aggregate classification (germline): Conflicting classifications of pathogenicity. Review status: criteria provided, conflicting classifications (1 of 4 stars). 2 submissions from 2 submitters: Likely pathogenic (1); Uncertain significance (1). Last evaluated 2022-05-27.

Conditions:
Frontotemporal dementia and/or amyotrophic lateral sclerosis 6 (FTDALS6). Also called: VCP-Related Amyotrophic Lateral Sclerosis/Frontotemporal Dementia; VCP-Related Amyotrophic Lateral Sclerosis. Identifiers: Orphanet 275872, Orphanet 803, MedGen C5436279, MONDO:0013501, OMIM 613954.
Inclusion body myopathy with Paget disease of bone and frontotemporal dementia. Also called: Inclusion body myopathy with early-onset Paget disease and frontotemporal dementia. Identifiers: Orphanet 52430, MedGen C1833662, MONDO:0000507.
Inclusion body myopathy with Paget disease of bone and frontotemporal dementia type 1. Also called: Inclusion body myopathy with early-onset Paget disease and frontotemporal dementia 1; Inclusion body myopathy with early-onset Paget disease with or without frontotemporal dementia 1; MULTISYSTEM PROTEINOPATHY 1. Identifiers: MedGen C4551951, MONDO:0008178, OMIM 167320.

Submissions (2):

Labcorp Genetics (formerly Invitae), Labcorp
Classification: Likely pathogenic for Inclusion body myopathy with Paget disease of bone and frontotemporal dementia; Frontotemporal dementia and/or amyotrophic lateral sclerosis 6. Last evaluated: 2022-05-27. Review status: criteria provided, single submitter. Criteria: Invitae Variant Classification Sherloc (09022015). Collection method: clinical testing. Allele origin: germline.
Comment: This sequence change replaces glycine, which is neutral and non-polar, with aspartic acid, which is acidic and polar, at codon 125 of the VCP protein (p.Gly125Asp). This variant is not present in population databases (gnomAD no frequency). In summary, the currently available evidence indicates that the variant is pathogenic, but additional data are needed to prove that conclusively. Therefore, this variant has been classified as Likely Pathogenic. Advanced modeling of protein sequence and biophysical properties (such as structural, functional, and spatial information, amino acid conservation, physicochemical variation, residue mobility, and thermodynamic stability) performed at Invitae indicates that this missense variant is expected to disrupt VCP protein function. ClinVar contains an entry for this variant (Variation ID: 569394). This missense change has been observed in individual(s) with VCP-related conditions (PMID: 30005904). It has also been observed to segregate with disease in related individuals.

CENTOGENE GmbH and LLC - Guiding Precision Medicine
Classification: Uncertain significance for Inclusion body myopathy with Paget disease of bone and frontotemporal dementia type 1. Last evaluated: 2021-04-29. Review status: criteria provided, single submitter. Criteria: ACMG Guidelines, 2015. Collection method: clinical testing. Allele origin: germline.

Literature cited by the submitters: PubMed 30005904 (cited by Labcorp Genetics (formerly Invitae), Labcorp).